The following is an entry in ClinVar:

ClinVar aggregate classification (germline): Uncertain significance (1 of 4 stars; one submission).

Conditions:
Methylmalonic acidemia with homocystinuria, type cblJ (MAHCJ). Also called: METHYLMALONIC ACIDURIA AND HOMOCYSTINURIA, cblJ TYPE. Identifiers: Orphanet 369955, MedGen C3553915, MONDO:0013925, OMIM 614857.

Allele frequency attached by ClinVar (database versions not stated): gnomAD exomes below 0.00001.
gnomAD v4.1: 2 of 1,613,128 alleles (0.00012%); highest among the groups gnomAD compares: Non-Finnish European, 0.00017%; no homozygotes.

Submission:

Labcorp Genetics (formerly Invitae), Labcorp
Classification: Uncertain significance for Methylmalonic acidemia with homocystinuria, type cblJ. Last evaluated: 2022-08-22. Review status: criteria provided, single submitter. Criteria: Invitae Variant Classification Sherloc (09022015). Collection method: clinical testing. Allele origin: germline.
Comment: In summary, the available evidence is currently insufficient to determine the role of this variant in disease. Therefore, it has been classified as a Variant of Uncertain Significance. Advanced modeling of protein sequence and biophysical properties (such as structural, functional, and spatial information, amino acid conservation, physicochemical variation, residue mobility, and thermodynamic stability) performed at Invitae indicates that this missense variant is expected to disrupt ABCD4 protein function. This variant has not been reported in the literature in individuals affected with ABCD4-related conditions. This variant is not present in population databases (gnomAD no frequency). This sequence change replaces proline, which is neutral and non-polar, with threonine, which is neutral and polar, at codon 207 of the ABCD4 protein (p.Pro207Thr).

NM_005050.4(ABCD4):c.619C>A (p.Pro207Thr)

Gene: ABCD4 (ATP binding cassette subfamily D member 4; minus strand). Cytogenetic location: 14q24.3.
Variant type: single nucleotide variant.
Coding change: c.619C>A on transcript NM_005050.4 (MANE Select); coding-DNA position 619, C replaced by A.
Protein change: p.Pro207Thr; replaces proline 207 with threonine.
Molecular consequence: missense variant. On other transcripts: 5 prime UTR variant (9), non-coding transcript variant (10), intron variant (2).
Genome position (GRCh38, 1-based): chr14:74,295,903, G>T on the plus strand (C>A on the coding strand, the complement: ABCD4 is on the minus strand). VCF-style: chr14-74295903-G-T. GRCh37 (hg19) VCF-style: chr14-74762606-G-T.
Other names: c.358C>A, p.Pro120Thr (NM_001353593.2, NM_001353594.2); c.205C>A, p.Pro69Thr (NM_001353595.2, NM_001353596.2, NM_001353597.2); c.142C>A, p.Pro48Thr (NM_001353598.2, NM_001353599.2, NM_001353600.2 and 2 more transcripts); c.-76C>A (NM_001353602.2, NM_001353603.2, NM_001353604.2 and 6 more transcripts); c.490C>A, p.Pro164Thr (NM_020323.1); c.619C>A, p.Pro207Thr (NM_020325.3); c.542+430C>A (NM_001353591.2, NM_001353592.2); short protein forms P69T, P207T, P120T, P48T, P164T.
Identifiers: ClinVar variation 1946729 (VCV001946729.5), dbSNP rs942318454, ClinGen allele CA263574722.